The following is an entry in ClinVar:

ClinVar aggregate classification (germline): Uncertain significance (1 of 4 stars; one submission).

gnomAD v4.1: 13 of 1,614,056 alleles (0.00081%); highest among the groups gnomAD compares: Non-Finnish European, 0.0011%; no homozygotes.

Submission:

Labcorp Genetics (formerly Invitae), Labcorp
Classification: Uncertain significance. Last evaluated: 2024-02-17. Review status: criteria provided, single submitter. Criteria: Invitae Variant Classification Sherloc (09022015). Collection method: clinical testing. Allele origin: germline.
Comment: This sequence change replaces leucine, which is neutral and non-polar, with proline, which is neutral and non-polar, at codon 970 of the ALPK1 protein (p.Leu970Pro). This variant is present in population databases (rs746714365, gnomAD 0.002%). This variant has not been reported in the literature in individuals affected with ALPK1-related conditions. Advanced modeling of protein sequence and biophysical properties (such as structural, functional, and spatial information, amino acid conservation, physicochemical variation, residue mobility, and thermodynamic stability) performed at Invitae indicates that this missense variant is not expected to disrupt ALPK1 protein function with a negative predictive value of 80%. In summary, the available evidence is currently insufficient to determine the role of this variant in disease. Therefore, it has been classified as a Variant of Uncertain Significance.

NM_025144.4(ALPK1):c.2909T>C (p.Leu970Pro)

Gene: ALPK1 (alpha kinase 1; plus strand). Cytogenetic location: 4q25.
Variant type: single nucleotide variant.
Coding change: c.2909T>C on transcript NM_025144.4 (MANE Select); coding-DNA position 2909, T replaced by C.
Protein change: p.Leu970Pro; replaces leucine 970 with proline.
Molecular consequence: missense variant.
Genome position (GRCh38, 1-based): chr4:112,432,456, T>C. VCF-style: chr4-112432456-T-C. GRCh37 (hg19) VCF-style: chr4-113353612-T-C.
Other names: c.2909T>C, p.Leu970Pro (NM_001102406.2); c.2675T>C, p.Leu892Pro (NM_001253884.2); short protein forms L892P, L970P.
Identifiers: ClinVar variation 3606728 (VCV003606728.2).
Genomic context (GRCh38, chr4:112,432,456, plus strand): 5'-ATCTGAATTCCAGTGGGAGTTCTTGGGTTTCATTGCCGGGAAAGATGAGGAAAGAGATCC[T>C]TGAGGCTCGCACCTTGCAACCTGATGACTTTGAAAAGCTGTTGGCAGGAGTGAGGCATGA-3'
Protein context (NP_079420.3, residues 960-980): SLPGKMRKEI[Leu970Pro]EARTLQPDDF